The following is an entry in ClinVar:

ClinVar aggregate classification (germline): Pathogenic (1 of 4 stars; one submission).

Submission:

Labcorp Genetics (formerly Invitae), Labcorp
Classification: Pathogenic. Last evaluated: 2021-04-08. Review status: criteria provided, single submitter. Criteria: Invitae Variant Classification Sherloc (09022015). Collection method: clinical testing. Allele origin: germline.
Comment: This sequence change creates a premature translational stop signal (p.Leu324Glnfs*7) in the TNFAIP3 gene. It is expected to result in an absent or disrupted protein product. Loss-of-function variants in TNFAIP3 are known to be pathogenic (PMID: 26642243). This variant is not present in population databases (ExAC no frequency). For these reasons, this variant has been classified as Pathogenic. This variant has not been reported in the literature in individuals with TNFAIP3-related conditions.

Literature cited by the submitters: PubMed 26642243.

NM_001270508.2(TNFAIP3):c.971_975del (p.Leu324fs)

Gene: TNFAIP3 (TNF alpha induced protein 3; plus strand). Cytogenetic location: 6q23.3.
Variant type: Microsatellite.
Coding change: c.971_975del on transcript NM_001270508.2 (MANE Select); coding-DNA positions 971 to 975, 5 bases deleted (TCATC; older notation c.971_975delTCATC).
Protein change: p.Leu324fs; shifts the reading frame from leucine 324.
Molecular consequence: frameshift variant.
Genome position (GRCh38, 1-based): chr6:137,877,241-137,877,245, TCATC deleted; deleting any 5 consecutive bases within chr6:137,877,235-137,877,245 gives the same sequence; the c. name uses the placement nearest the transcript's 3' end. VCF-style (leftmost placement, unchanged base first): chr6-137877234-ACTCAT-A. GRCh37 (hg19) VCF-style: chr6-138198371-ACTCAT-A.
Other names: c.971_975del, p.Leu324fs (NM_001270507.2, NM_006290.4); short protein forms L324fs.
Identifiers: ClinVar variation 1452211 (VCV001452211.6), dbSNP rs2114491041, ClinGen allele CA645564282.